The following is an entry in ClinVar:

NM_000360.4(TH):c.633C>A (p.Phe211Leu)

Gene: TH (tyrosine hydroxylase; minus strand). Cytogenetic location: 11p15.5.
Variant type: single nucleotide variant.
Coding change: c.633C>A on transcript NM_000360.4 (MANE Select); coding-DNA position 633, C replaced by A.
Protein change: p.Phe211Leu; replaces phenylalanine 211 with leucine.
Molecular consequence: missense variant.
Genome position (GRCh38, 1-based): chr11:2,167,877, G>T on the plus strand (C>A on the coding strand, the complement: TH is on the minus strand). VCF-style: chr11-2167877-G-T. GRCh37 (hg19) VCF-style: chr11-2189107-G-T.
Other names: c.726C>A, p.Phe242Leu (NM_199292.3); c.714C>A, p.Phe238Leu (NM_199293.3); short protein forms F238L, F211L, F242L.
Identifiers: ClinVar variation 2004088 (VCV002004088.4), dbSNP rs762932662, ClinGen allele CA379127979.

ClinVar aggregate classification (germline): Uncertain significance (1 of 4 stars; one submission).

Conditions:
TH-deficient dopa-responsive dystonia. Also called: Tyrosine Hydroxylase-Deficient Dopa-Responsive Dystonia; Segawa syndrome, autosomal recessive; DYT-TH. Identifiers: Orphanet 101150, MedGen C2673535, MONDO:0011551, OMIM 605407.

Allele frequency attached by ClinVar (database versions not stated): gnomAD exomes below 0.00001.
gnomAD v4.1: 1 of 1,607,674 alleles (0.000062%); no homozygotes.

Submission:

Labcorp Genetics (formerly Invitae), Labcorp
Classification: Uncertain significance for TH-deficient dopa-responsive dystonia. Last evaluated: 2022-06-09. Review status: criteria provided, single submitter. Criteria: Invitae Variant Classification Sherloc (09022015). Collection method: clinical testing. Allele origin: germline.
Comment: Algorithms developed to predict the effect of missense changes on protein structure and function are either unavailable or do not agree on the potential impact of this missense change (SIFT: "Deleterious"; PolyPhen-2: "Possibly Damaging"; Align-GVGD: "Class C15"). This variant has not been reported in the literature in individuals affected with TH-related conditions. This variant is not present in population databases (gnomAD no frequency). This sequence change replaces phenylalanine, which is neutral and non-polar, with leucine, which is neutral and non-polar, at codon 242 of the TH protein (p.Phe242Leu). In summary, the available evidence is currently insufficient to determine the role of this variant in disease. Therefore, it has been classified as a Variant of Uncertain Significance.